The following is an entry in ClinVar:

NM_001077418.3(TMEM231):c.619G>C (p.Asp207His)

Gene: TMEM231 (transmembrane protein 231; minus strand). Cytogenetic location: 16q23.1.
Variant type: single nucleotide variant.
Coding change: c.619G>C on transcript NM_001077418.3 (MANE Select); coding-DNA position 619, G replaced by C.
Protein change: p.Asp207His; replaces aspartic acid 207 with histidine.
Molecular consequence: missense variant. On other transcripts: non-coding transcript variant (1).
Genome position (GRCh38, 1-based): chr16:75,542,647, C>G on the plus strand (G>C on the coding strand, the complement: TMEM231 is on the minus strand). VCF-style: chr16-75542647-C-G. GRCh37 (hg19) VCF-style: chr16-75576545-C-G.
Other names: c.778G>C, p.Asp260His (NM_001077416.2); short protein forms D260H, D207H.
Identifiers: ClinVar variation 2146205 (VCV002146205.5), dbSNP rs192462687, ClinGen allele CA8176109.
Genomic context (GRCh38, chr16:75,542,647, plus strand): 5'-CTACCTGTGACTCACCGTTCCTCTCCTGGTAGGCAGCAACAATATGGGTGAGGTCGTAGT[C>G]ATAGGCAAAGGGGCTGGTCCCGTTGATCACGGATATCTGGGACACGGGAGGAGGATGTGG-3'
Protein context (NP_001070886.1, residues 197-217): VINGTSPFAY[Asp207His]YDLTHIVAAY

ClinVar aggregate classification (germline): Uncertain significance. Review status: criteria provided, multiple submitters, no conflicts (2 of 4 stars). 2 submissions from 2 submitters: Uncertain significance (2). Last evaluated 2024-05-17.

Conditions:
Joubert syndrome 20 (JBTS20). Identifiers: Orphanet 475, MedGen C3554235, MONDO:0013994, OMIM 614970.
Meckel syndrome, type 11 (MKS11). Identifiers: Orphanet 564, MedGen C3809352, MONDO:0014164, OMIM 615397.

Allele frequency attached by ClinVar (database versions not stated): gnomAD 0.00001; 1000 Genomes Project 0.00040; 1000 Genomes Project 30x 0.00047.
gnomAD v4.1: 6 of 1,613,910 alleles (0.00037%); highest among the groups gnomAD compares: Admixed American, 0.0067%; no homozygotes.

Submissions (2):

Fulgent Genetics
Classification: Uncertain significance for Joubert syndrome 20; Meckel syndrome, type 11. Last evaluated: 2024-05-17. Review status: criteria provided, single submitter. Criteria: ACMG Guidelines, 2015. Collection method: clinical testing. Allele origin: germline.

Labcorp Genetics (formerly Invitae), Labcorp
Classification: Uncertain significance for Joubert syndrome 20; Meckel syndrome, type 11. Last evaluated: 2022-08-07. Review status: criteria provided, single submitter. Criteria: Invitae Variant Classification Sherloc (09022015). Collection method: clinical testing. Allele origin: germline.
Comment: In summary, the available evidence is currently insufficient to determine the role of this variant in disease. Therefore, it has been classified as a Variant of Uncertain Significance. Algorithms developed to predict the effect of missense changes on protein structure and function are either unavailable or do not agree on the potential impact of this missense change (SIFT: "Tolerated"; PolyPhen-2: "Not Available"; Align-GVGD: "Class C0"). This variant has not been reported in the literature in individuals affected with TMEM231-related conditions. This variant is present in population databases (rs192462687, gnomAD 0.006%). This sequence change replaces aspartic acid, which is acidic and polar, with histidine, which is basic and polar, at codon 260 of the TMEM231 protein (p.Asp260His).